The following is an entry in ClinVar:

NM_001367943.1(TCF7L2):c.1744C>A (p.Pro582Thr)

Gene: TCF7L2 (transcription factor 7 like 2; plus strand). Cytogenetic location: 10q25.3.
Variant type: single nucleotide variant.
Coding change: c.1744C>A on transcript NM_001367943.1 (MANE Select); coding-DNA position 1744, C replaced by A.
Protein change: p.Pro582Thr; replaces proline 582 with threonine.
Molecular consequence: missense variant. On other transcripts: 3 prime UTR variant (12).
Genome position (GRCh38, 1-based): chr10:113,165,856, C>A. VCF-style: chr10-113165856-C-A. GRCh37 (hg19) VCF-style: chr10-114925615-C-A.
Other names: c.1693C>A, p.Pro565Thr (NM_001146274.2); c.*222C>A (NM_001146283.2, NM_001146284.2, NM_001146286.2 and 4 more transcripts); c.1624C>A, p.Pro542Thr (NM_001146285.2, NM_001198526.2); c.*332C>A (NM_001198525.2); c.*320C>A (NM_001198527.2, NM_001198528.2, NM_001349870.2 and 1 more transcripts); c.1675C>A, p.Pro559Thr (NM_030756.5); c.1693C>A (NM_001146274.1); short protein forms P559T, P542T, P565T, P582T.
Identifiers: ClinVar variation 741522 (VCV000741522.6), dbSNP rs147601829, ClinGen allele CA5693345.

ClinVar aggregate classification (germline): Likely benign. Review status: criteria provided, multiple submitters, no conflicts (2 of 4 stars). 3 submissions from 3 submitters: Likely benign (2). 1 of the submissions does not count toward it. Last evaluated 2024-03-07.

Conditions:
Inborn genetic diseases. Identifiers: MedGen C0950123, MeSH D030342.
TCF7L2-related disorder. Also called: TCF7L2-related condition.

Allele frequency attached by ClinVar (database versions not stated): gnomAD exomes 0.00016 and 0.00039; ExAC 0.00050; 1000 Genomes Project 0.00120; ESP Exome Variant Server 0.00138; 1000 Genomes Project 30x 0.00156; gnomAD 0.00188 and 0.00200; TOPMed 0.00215.
gnomAD v4.1: 525 of 1,607,542 alleles (0.033%); highest among the groups gnomAD compares: African/African-American, 0.63%; 2 homozygotes.

Submissions (3):

Ambry Genetics
Classification: Likely benign for Inborn genetic diseases. Last evaluated: 2024-03-07. Review status: criteria provided, single submitter. Criteria: Ambry Variant Classification Scheme 2023. Collection method: clinical testing. Allele origin: germline.

Labcorp Genetics (formerly Invitae), Labcorp
Classification: Likely benign. Last evaluated: 2018-05-08. Review status: criteria provided, single submitter. Criteria: Invitae Variant Classification Sherloc (09022015). Collection method: clinical testing. Allele origin: germline.

PreventionGenetics, part of Exact Sciences
Classification: Benign for TCF7L2-related condition. Last evaluated: 2019-11-13. Review status: no assertion criteria provided. Collection method: clinical testing. Allele origin: germline. Not counted in ClinVar's aggregate classification.
Comment: This variant is classified as benign based on ACMG/AMP sequence variant interpretation guidelines (Richards et al. 2015 PMID: 25741868, with internal and published modifications).